The following is an entry in ClinVar:

NM_000274.4(OAT):c.839A>G (p.Tyr280Cys)

Gene: OAT (ornithine aminotransferase; minus strand). Cytogenetic location: 10q26.13.
Variant type: single nucleotide variant.
Coding change: c.839A>G on transcript NM_000274.4 (MANE Select); coding-DNA position 839, A replaced by G.
Protein change: p.Tyr280Cys; replaces tyrosine 280 with cysteine.
Molecular consequence: missense variant.
Genome position (GRCh38, 1-based): chr10:124,402,988, T>C on the plus strand (A>G on the coding strand, the complement: OAT is on the minus strand). VCF-style: chr10-124402988-T-C. GRCh37 (hg19) VCF-style: chr10-126091557-T-C.
Other names: c.425A>G, p.Tyr142Cys (NM_001171814.2); c.839A>G, p.Tyr280Cys (NM_001322965.2, NM_001322966.2, NM_001322967.2 and 3 more transcripts); c.518A>G, p.Tyr173Cys (NM_001322971.2); c.239A>G, p.Tyr80Cys (NM_001322974.2); short protein forms Y142C, Y80C, Y173C, Y280C.
Identifiers: ClinVar variation 2141210 (VCV002141210.2), dbSNP rs1951456303, ClinGen allele CA378635363.

ClinVar aggregate classification (germline): Uncertain significance (1 of 4 stars; one submission).

Conditions:
Ornithine aminotransferase deficiency (GACR). Also called: HYPERORNITHINEMIA WITH GYRATE ATROPHY OF CHOROID AND RETINA; OAT DEFICIENCY; OKT DEFICIENCY; Ornithine ketoacid aminotransferase deficiency; Gyrate atrophy; Gyrate atrophy of choroid and retina. Identifiers: Orphanet 414, MedGen C0018425, MONDO:0009796, OMIM 258870.

Allele frequency attached by ClinVar (database versions not stated): gnomAD exomes below 0.00001.
gnomAD v4.1: 1 of 1,614,162 alleles (0.000062%); highest among the groups gnomAD compares: Non-Finnish European, 0.000085%; no homozygotes.

Submission:

Labcorp Genetics (formerly Invitae), Labcorp
Classification: Uncertain significance for Ornithine aminotransferase deficiency. Last evaluated: 2025-01-13. Review status: criteria provided, single submitter. Criteria: Invitae Variant Classification Sherloc (09022015). Collection method: clinical testing. Allele origin: germline.
Comment: This sequence change replaces tyrosine, which is neutral and polar, with cysteine, which is neutral and slightly polar, at codon 280 of the OAT protein (p.Tyr280Cys). This variant is not present in population databases (gnomAD no frequency). This variant has not been reported in the literature in individuals affected with OAT-related conditions. ClinVar contains an entry for this variant (Variation ID: 2141210). Invitae Evidence Modeling of protein sequence and biophysical properties (such as structural, functional, and spatial information, amino acid conservation, physicochemical variation, residue mobility, and thermodynamic stability) indicates that this missense variant is expected to disrupt OAT protein function with a positive predictive value of 80%. In summary, the available evidence is currently insufficient to determine the role of this variant in disease. Therefore, it has been classified as a Variant of Uncertain Significance.